The following is an entry in ClinVar:

NM_003235.5(TG):c.8237C>T (p.Thr2746Met)

Gene: TG (thyroglobulin; plus strand). Cytogenetic location: 8q24.22.
Variant type: single nucleotide variant.
Coding change: c.8237C>T on transcript NM_003235.5 (MANE Select); coding-DNA position 8237, C replaced by T.
Protein change: p.Thr2746Met; replaces threonine 2746 with methionine.
Molecular consequence: missense variant.
Genome position (GRCh38, 1-based): chr8:133,134,724, C>T. VCF-style: chr8-133134724-C-T. GRCh37 (hg19) VCF-style: chr8-134146968-C-T.
Other names: short protein forms T2746M.
Identifiers: ClinVar variation 2502761 (VCV002502761.3), dbSNP rs181114893, ClinGen allele CA4885954.

ClinVar aggregate classification (germline): Uncertain significance. Review status: criteria provided, multiple submitters, no conflicts (2 of 4 stars). 2 submissions from 2 submitters: Uncertain significance (2). Last evaluated 2023-08-08.

Conditions:
Inborn genetic diseases. Identifiers: MedGen C0950123, MeSH D030342.

Allele frequency attached by ClinVar (database versions not stated): gnomAD exomes 0.00004; ExAC 0.00007; TOPMed 0.00008; gnomAD 0.00009; 1000 Genomes Project 0.00020; 1000 Genomes Project 30x 0.00031.
gnomAD v4.1: 73 of 1,614,026 alleles (0.0045%); highest among the groups gnomAD compares: Middle Eastern, 0.017%; 1 homozygote.

Submissions (2):

Ambry Genetics
Classification: Uncertain significance for Inborn genetic diseases. Last evaluated: 2023-08-08. Review status: criteria provided, single submitter. Criteria: Ambry Variant Classification Scheme 2023. Collection method: clinical testing. Allele origin: germline.

GeneDx
Classification: Uncertain significance. Last evaluated: 2022-11-18. Review status: criteria provided, single submitter. Criteria: GeneDx Variant Classification Process June 2021. Collection method: clinical testing. Allele origin: germline. Affected: yes.
Comment: In silico analysis supports that this missense variant does not alter protein structure/function; Has not been previously published as pathogenic or benign to our knowledge